The following is an entry in ClinVar:

ClinVar aggregate classification (germline): Pathogenic (1 of 4 stars; one submission).

Conditions:
Neurofibromatosis, type 1 (NF1). Also called: VON RECKLINGHAUSEN DISEASE; NEUROFIBROMATOSIS, TYPE I, SOMATIC; Neurofibromatosis, type I; Peripheral type neurofibromatosis. Identifiers: Orphanet 636, MedGen C0027831, MONDO:0018975, OMIM 162200. Disease mechanism: loss of function.

Submission:

Labcorp Genetics (formerly Invitae), Labcorp
Classification: Pathogenic for Neurofibromatosis, type 1. Last evaluated: 2021-10-23. Review status: criteria provided, single submitter. Criteria: Invitae Variant Classification Sherloc (09022015). Collection method: clinical testing. Allele origin: germline.
Comment: For these reasons, this variant has been classified as Pathogenic. This variant has not been reported in the literature in individuals affected with NF1-related conditions. This variant is not present in population databases (ExAC no frequency). This sequence change creates a premature translational stop signal (p.Pro2488Asnfs*26) in the NF1 gene. It is expected to result in an absent or disrupted protein product. Loss-of-function variants in NF1 are known to be pathogenic (PMID: 10712197, 23913538).

Literature cited by the submitters: PubMed 10712197; PubMed 23913538.

NM_001042492.3(NF1):c.7524_7525del (p.Pro2509fs)

Gene: NF1 (neurofibromin 1; plus strand). Cytogenetic location: 17q11.2.
Variant type: Deletion.
Coding change: c.7524_7525del on transcript NM_001042492.3 (MANE Select); coding-DNA positions 7524 to 7525, 2 bases deleted (TC; older notation c.7524_7525delTC).
Protein change: p.Pro2509fs; shifts the reading frame from proline 2509.
Molecular consequence: frameshift variant.
Genome position (GRCh38, 1-based): chr17:31,352,323-31,352,324, TC deleted. VCF-style (leftmost placement, unchanged base first): chr17-31352322-ATC-A. GRCh37 (hg19) VCF-style: chr17-29679340-ATC-A.
Other names: c.7461_7462delTC, p.Pro2488Asnfs (NM_000267.4); short protein forms P2509fs, P2488fs.
Identifiers: ClinVar variation 1421362 (VCV001421362.6), dbSNP rs2151577142, ClinGen allele CA2573153849.